The following is an entry in ClinVar:

ClinVar aggregate classification (germline): Uncertain significance (1 of 4 stars; one submission).

Allele frequency attached by ClinVar (database versions not stated): gnomAD exomes below 0.00001.
gnomAD v4.1: 1 of 1,611,432 alleles (0.000062%); highest among the groups gnomAD compares: Non-Finnish European, 0.000085%; no homozygotes.

Submission:

GeneDx
Classification: Uncertain significance. Last evaluated: 2023-12-18. Review status: criteria provided, single submitter. Criteria: GeneDx Variant Classification Process June 2021. Collection method: clinical testing. Allele origin: germline. Affected: yes.
Comment: Not observed at significant frequency in large population cohorts (gnomAD); In silico analysis supports that this missense variant does not alter protein structure/function; Has not been previously published as pathogenic or benign to our knowledge

NM_006514.4(SCN10A):c.2903G>C (p.Arg968Thr)

Genes: SCN10A (sodium voltage-gated channel alpha subunit 10; minus strand), LOC110121288 (VISTA enhancer hs2268; plus strand). Cytogenetic location: 3p22.2.
Variant type: single nucleotide variant.
Coding change: c.2903G>C on transcript NM_006514.4 (MANE Select); coding-DNA position 2903, G replaced by C.
Protein change: p.Arg968Thr; replaces arginine 968 with threonine.
Molecular consequence: missense variant.
Genome position (GRCh38, 1-based): chr3:38,726,790, C>G on the plus strand (G>C on the coding strand, the complement: SCN10A is on the minus strand). VCF-style: chr3-38726790-C-G. GRCh37 (hg19) VCF-style: chr3-38768281-C-G.
Other names: c.2903G>C, p.Arg968Thr (NM_001293306.2); c.2609G>C, p.Arg870Thr (NM_001293307.2); short protein forms R870T, R968T.
Identifiers: ClinVar variation 3253406 (VCV003253406.1), dbSNP rs2063460424.